The following is an entry in ClinVar:

ClinVar aggregate classification (germline): Uncertain significance (1 of 4 stars; one submission).

Submission:

GeneDx
Classification: Uncertain significance. Last evaluated: 2026-10-07. Review status: criteria provided, single submitter. Criteria: GeneDx Variant Classification Process June 2021. Collection method: clinical testing. Allele origin: germline.
Comment: Not observed at significant frequency in large population cohorts (gnomAD); In silico analysis supports that this missense variant has a deleterious effect on protein structure/function; Has not been previously published as pathogenic or benign to our knowledge

NM_001394062.1(MACF1):c.13478C>A (p.Thr4493Asn)

Gene: MACF1 (microtubule actin crosslinking factor 1; plus strand). Cytogenetic location: 1p34.3.
Variant type: single nucleotide variant.
Coding change: c.13478C>A on transcript NM_001394062.1 (MANE Select); coding-DNA position 13478, C replaced by A.
Protein change: p.Thr4493Asn; replaces threonine 4493 with asparagine.
Molecular consequence: missense variant.
Genome position (GRCh38, 1-based): chr1:39,379,404, C>A. VCF-style: chr1-39379404-C-A. GRCh37 (hg19) VCF-style: chr1-39845076-C-A.
Other names: c.7292C>A, p.Thr2431Asn (NM_012090.5); short protein forms T2431N, T4493N.
Identifiers: ClinVar variation 3774950 (VCV003774950.2).